The following is an entry in ClinVar:

NM_001368397.1(FRMPD4):c.4165G>A (p.Gly1389Arg)

Gene: FRMPD4 (FERM and PDZ domain containing 4; plus strand). Cytogenetic location: Xp22.2.
Variant type: single nucleotide variant.
Coding change: c.4165G>A on transcript NM_001368397.1 (MANE Select); coding-DNA position 4165, G replaced by A.
Protein change: p.Gly1389Arg; replaces glycine 1389 with arginine.
Molecular consequence: missense variant. On other transcripts: 3 prime UTR variant (6).
Genome position (GRCh38, 1-based): chrX:12,720,734, G>A. VCF-style: chrX-12720734-G-A. GRCh37 (hg19) VCF-style: chrX-12738853-G-A.
Other names: c.*201G>A (NM_001368398.3, NM_001368399.3, NM_001368400.3 and 3 more transcripts); c.4276G>A, p.Gly1426Arg (NM_001368395.3); c.4171G>A, p.Gly1391Arg (NM_001368396.3); short protein forms G1389R, G1391R, G1426R.
Identifiers: ClinVar variation 4535178 (VCV004535178.6).

ClinVar aggregate classification (germline): Likely benign (1 of 4 stars; one submission).

gnomAD v4.1: 46 of 1,061,199 alleles (0.0043%); highest among the groups gnomAD compares: Non-Finnish European, 0.005%; no homozygotes.

Submission:

CeGaT Center for Human Genetics Tuebingen
Classification: Likely benign. Last evaluated: 2025-11-01. Review status: criteria provided, single submitter. Criteria: CeGaT Center For Human Genetics Tuebingen Variant Classification Criteria Version 2. Collection method: clinical testing. Allele origin: germline. Affected: yes. Observed: 1 variant allele.
Comment: FRMPD4: BS2